The following is an entry in ClinVar:

NM_033448.3(KRT71):c.878G>A (p.Arg293Gln)

Gene: KRT71 (keratin 71; minus strand). Cytogenetic location: 12q13.13.
Variant type: single nucleotide variant.
Coding change: c.878G>A on transcript NM_033448.3 (MANE Select); coding-DNA position 878, G replaced by A.
Protein change: p.Arg293Gln; replaces arginine 293 with glutamine.
Molecular consequence: missense variant.
Genome position (GRCh38, 1-based): chr12:52,548,252, C>T on the plus strand (G>A on the coding strand, the complement: KRT71 is on the minus strand). VCF-style: chr12-52548252-C-T. GRCh37 (hg19) VCF-style: chr12-52942036-C-T.
Other names: short protein forms R293Q.
Identifiers: ClinVar variation 4695931 (VCV004695931.1).

ClinVar aggregate classification (germline): Uncertain significance (1 of 4 stars; one submission).

gnomAD v4.1: 48 of 1,614,056 alleles (0.003%); highest among the groups gnomAD compares: African/African-American, 0.0067%; no homozygotes.

Submission:

Labcorp Genetics (formerly Invitae), Labcorp
Classification: Uncertain significance. Last evaluated: 2025-09-21. Review status: criteria provided, single submitter. Criteria: Invitae Variant Classification Sherloc (09022015). Collection method: clinical testing. Allele origin: germline.
Comment: This sequence change replaces arginine, which is basic and polar, with glutamine, which is neutral and polar, at codon 293 of the KRT71 protein (p.Arg293Gln). This variant is present in population databases (rs747948808, gnomAD 0.003%). This variant has not been reported in the literature in individuals affected with KRT71-related conditions. Invitae Evidence Modeling of protein sequence and biophysical properties (such as structural, functional, and spatial information, amino acid conservation, physicochemical variation, residue mobility, and thermodynamic stability) indicates that this missense variant is not expected to disrupt KRT71 protein function with a negative predictive value of 80%. In summary, the available evidence is currently insufficient to determine the role of this variant in disease. Therefore, it has been classified as a Variant of Uncertain Significance.